The following is an entry in ClinVar:

NM_001267550.2(TTN):c.66651del (p.Phe22217fs)

Genes: TTN (titin; minus strand), TTN-AS1 (TTN antisense RNA 1; plus strand). Cytogenetic location: 2q31.2.
Variant type: Deletion.
Coding change: c.66651del on transcript NM_001267550.2 (MANE Select); coding-DNA position 66651, one base deleted (T; older notation c.66651delT).
Protein change: p.Phe22217fs; shifts the reading frame from phenylalanine 22217.
Molecular consequence: frameshift variant.
Genome position (GRCh38, 1-based): chr2:178,581,617, A deleted on the plus strand (T on the coding strand, the reverse complement: TTN is on the minus strand); the first of 3 consecutive A bases (chr2:178,581,617-178,581,619); deleting any one gives the same sequence. VCF-style (leftmost placement, unchanged base first): chr2-178581616-CA-C. GRCh37 (hg19) VCF-style: chr2-179446343-CA-C.
Other names: c.61728del, p.Phe20576fs (NM_001256850.1); c.39456del, p.Phe13152fs (NM_003319.4); c.58947del, p.Phe19649fs (NM_133378.4); c.39831del, p.Phe13277fs (NM_133432.3); c.40032del, p.Phe13344fs (NM_133437.4); short protein forms F13152fs, F13277fs, F13344fs, F19649fs, F20576fs, F22217fs.
Identifiers: ClinVar variation 3755826 (VCV003755826.2).

ClinVar aggregate classification (germline): Likely pathogenic (1 of 4 stars; one submission).

Conditions:
Dilated cardiomyopathy 1G (CMD1G). Identifiers: Orphanet 154, MedGen C1858763, MONDO:0011400, OMIM 604145.
Autosomal recessive limb-girdle muscular dystrophy type 2J (LGMDR10). Also called: Limb-girdle muscular dystrophy, type 2J; MUSCULAR DYSTROPHY, LIMB-GIRDLE, AUTOSOMAL RECESSIVE 10. Identifiers: Orphanet 140922, MedGen C1837342, MONDO:0012127, OMIM 608807.

Submission:

Labcorp Genetics (formerly Invitae), Labcorp
Classification: Likely pathogenic for Dilated cardiomyopathy 1G; Autosomal recessive limb-girdle muscular dystrophy type 2J. Last evaluated: 2025-08-24. Review status: criteria provided, single submitter. Criteria: Invitae Variant Classification Sherloc (09022015). Collection method: clinical testing. Allele origin: germline.
Comment: This sequence change creates a premature translational stop signal (p.Phe22217Leufs*6) in the TTN gene. While this is not anticipated to result in nonsense mediated decay, it is expected to create a truncated TTN protein. This variant is not present in population databases (gnomAD no frequency). This premature translational stop signal has been observed in individual(s) with dilated cardiomyopathy (internal data). ClinVar contains an entry for this variant (Variation ID: 3755826). This variant is located in the A band of TTN (PMID: 25589632). Truncating variants in this region are significantly overrepresented in patients affected with dilated cardiomyopathy (PMID: 25589632). Truncating variants in this region have also been reported in individuals affected with autosomal recessive centronuclear myopathy (PMID: 23975875). In summary, the currently available evidence indicates that the variant is pathogenic, but additional data are needed to prove that conclusively. Therefore, this variant has been classified as Likely Pathogenic.

Literature cited by the submitters: PubMed 25589632; PubMed 23975875.